The following is an entry in ClinVar:

ClinVar aggregate classification (germline): Likely benign. Review status: criteria provided, multiple submitters, no conflicts (2 of 4 stars). 2 submissions from 2 submitters: Likely benign (2). Last evaluated 2024-05-29.

Conditions:
Camptomelic dysplasia (CMPD). Also called: Campomelic Dysplasia; CMPD1/SRA1. Identifiers: Orphanet 140, MedGen C1861922, MONDO:0007251, OMIM 114290.

Allele frequency attached by ClinVar (database versions not stated): ExAC 0.00002; gnomAD 0.00002 and 0.00003; gnomAD exomes 0.00002 and 0.00004; TOPMed 0.00002.

Submissions (2):

Labcorp Genetics (formerly Invitae), Labcorp
Classification: Likely benign for Camptomelic dysplasia. Last evaluated: 2024-05-29. Review status: criteria provided, single submitter. Criteria: Invitae Variant Classification Sherloc (09022015). Collection method: clinical testing. Allele origin: germline.

GeneDx
Classification: Likely benign. Last evaluated: 2015-12-08. Review status: criteria provided, single submitter. Criteria: GeneDx Variant Classification (06012015). Collection method: clinical testing. Allele origin: germline. Affected: yes.
Comment: This variant is considered likely benign or benign based on one or more of the following criteria: it is a conservative change, it occurs at a poorly conserved position in the protein, it is predicted to be benign by multiple in silico algorithms, and/or has population frequency not consistent with disease.

NM_000346.4(SOX9):c.948G>A (p.Thr316=)

Gene: SOX9 (SRY-box transcription factor 9; plus strand). Cytogenetic location: 17q24.3.
Variant type: single nucleotide variant.
Coding change: c.948G>A on transcript NM_000346.4 (MANE Select); coding-DNA position 948, G replaced by A.
Protein change: p.Thr316=; no amino-acid change (threonine 316 retained).
Molecular consequence: synonymous variant.
Genome position (GRCh38, 1-based): chr17:72,123,805, G>A. VCF-style: chr17-72123805-G-A. GRCh37 (hg19) VCF-style: chr17-70119946-G-A.
Identifiers: ClinVar variation 381978 (VCV000381978.3), dbSNP rs773254646, ClinGen allele CA8739056.